The following is an entry in ClinVar:

NM_002361.4(MAG):c.228G>C (p.Ser76=)

Gene: MAG (myelin associated glycoprotein; plus strand). Cytogenetic location: 19q13.12.
Variant type: single nucleotide variant.
Coding change: c.228G>C on transcript NM_002361.4 (MANE Select); coding-DNA position 228, G replaced by C.
Protein change: p.Ser76=; no amino-acid change (serine 76 retained).
Molecular consequence: synonymous variant.
Genome position (GRCh38, 1-based): chr19:35,295,794, G>C. VCF-style: chr19-35295794-G-C. GRCh37 (hg19) VCF-style: chr19-35786697-G-C.
Other names: c.153G>C, p.Ser51= (NM_001199216.2); c.228G>C, p.Ser76= (NM_080600.3).
Identifiers: ClinVar variation 2046675 (VCV002046675.28), dbSNP rs142334011, ClinGen allele CA9375956.
Genomic context (GRCh38, chr19:35,295,794, plus strand): 5'-TGGTGTCTGGTACTTCAATAGCCCCTACCCCAAGAACTACCCCCCGGTGGTCTTCAAGTC[G>C]CGCACCCAAGTAGTCCACGAGAGCTTCCAGGGCCGCAGCCGCCTCCTGGGGGACCTGGGC-3'
Protein context (NP_002352.1, residues 66-86): PKNYPPVVFK[Ser76=]RTQVVHESFQ

ClinVar aggregate classification (germline): Likely benign. Review status: criteria provided, multiple submitters, no conflicts (2 of 4 stars). 2 submissions from 2 submitters: Likely benign (2). Last evaluated 2022-09-01.

Conditions:
Hereditary spastic paraplegia 75. Also called: Spastic paraplegia 75, autosomal recessive. Identifiers: Orphanet 459056, MedGen C4225250, MONDO:0014729, OMIM 616680.

gnomAD v4.1: 39 of 1,613,564 alleles (0.0024%); highest among the groups gnomAD compares: Admixed American, 0.0033%; no homozygotes.

Submissions (2):

CeGaT Center for Human Genetics Tuebingen
Classification: Likely benign. Last evaluated: 2022-09-01. Review status: criteria provided, single submitter. Criteria: CeGaT Center For Human Genetics Tuebingen Variant Classification Criteria Version 2. Collection method: clinical testing. Allele origin: germline. Affected: yes. Observed: 1 variant allele.
Comment: MAG: BP4, BP7

Labcorp Genetics (formerly Invitae), Labcorp
Classification: Likely benign for Hereditary spastic paraplegia 75. Last evaluated: 2022-06-14. Review status: criteria provided, single submitter. Criteria: Invitae Variant Classification Sherloc (09022015). Collection method: clinical testing. Allele origin: germline.